The following is an entry in ClinVar:

NM_002838.5(PTPRC):c.3383A>G (p.Glu1128Gly)

Gene: PTPRC (protein tyrosine phosphatase receptor type C; plus strand). Cytogenetic location: 1q32.1.
Variant type: single nucleotide variant.
Coding change: c.3383A>G on transcript NM_002838.5 (MANE Select); coding-DNA position 3383, A replaced by G.
Protein change: p.Glu1128Gly; replaces glutamic acid 1128 with glycine.
Molecular consequence: missense variant.
Genome position (GRCh38, 1-based): chr1:198,752,646, A>G. VCF-style: chr1-198752646-A-G. GRCh37 (hg19) VCF-style: chr1-198721775-A-G.
Other names: c.2900A>G, p.Glu967Gly (NM_080921.4); short protein forms E967G, E1128G.
Identifiers: ClinVar variation 834572 (VCV000834572.6), dbSNP rs765815787, ClinGen allele CA1315437.

ClinVar aggregate classification (germline): Uncertain significance. Review status: criteria provided, single submitter (1 of 4 stars). 2 submissions from 2 submitters: Uncertain significance (1). 1 of the submissions does not count toward it. Last evaluated 2026-01-26.

Conditions:
PTPRC-related disorder. Also called: PTPRC-related condition.
Immunodeficiency 104. Also called: Severe combined immunodeficiency, autosomal recessive, T cell-negative, B cell-positive, NK cell-positive; SCID, AUTOSOMAL RECESSIVE, T CELL-NEGATIVE, B CELL-POSITIVE, NK CELL-POSITIVE; Severe Combined Immune Deficiency, Autosomal Recessive, TCell -Negative, B Cell-Positive, NK Cell-Positive, IL7R-Related; IMMUNODEFICIENCY 104, SEVERE COMBINED. Identifiers: MedGen C5676890, MONDO:0012163, OMIM 608971.

Allele frequency attached by ClinVar (database versions not stated): TOPMed 0.00006.
gnomAD v4.1: 93 of 1,612,724 alleles (0.0058%); highest among the groups gnomAD compares: Admixed American, 0.053%; no homozygotes.

Submissions (2):

Labcorp Genetics (formerly Invitae), Labcorp
Classification: Uncertain significance for Immunodeficiency 104. Last evaluated: 2026-01-26. Review status: criteria provided, single submitter. Criteria: Invitae Variant Classification Sherloc (09022015). Collection method: clinical testing. Allele origin: germline.
Comment: This sequence change replaces glutamic acid, which is acidic and polar, with glycine, which is neutral and non-polar, at codon 1128 of the PTPRC protein (p.Glu1128Gly). This variant is present in population databases (rs765815787, gnomAD 0.04%). This variant has not been reported in the literature in individuals affected with PTPRC-related conditions. ClinVar contains an entry for this variant (Variation ID: 834572). An algorithm developed to predict the effect of missense changes on protein structure and function outputs the following: PolyPhen-2: "Benign". The glycine amino acid residue is found in multiple mammalian species, which suggests that this missense change does not adversely affect protein function. In summary, the available evidence is currently insufficient to determine the role of this variant in disease. Therefore, it has been classified as a Variant of Uncertain Significance.

PreventionGenetics, part of Exact Sciences
Classification: Uncertain significance for PTPRC-related condition. Last evaluated: 2024-08-31. Review status: no assertion criteria provided. Collection method: clinical testing. Allele origin: germline. Not counted in ClinVar's aggregate classification.
Comment: The PTPRC c.3383A>G variant is predicted to result in the amino acid substitution p.Glu1128Gly. To our knowledge, this variant has not been reported in the literature. This variant is reported in 0.041% of alleles in individuals of Latino descent in gnomAD. At this time, the clinical significance of this variant is uncertain due to the absence of conclusive functional and genetic evidence.